The following is an entry in ClinVar:

ClinVar aggregate classification (germline): Uncertain significance (1 of 4 stars; one submission).

Conditions:
DICER1-related tumor predisposition. Also called: DICER1 syndrome; DICER1-related pleuropulmonary blastoma cancer predisposition syndrome. Identifiers: Orphanet 284343, MedGen C3839822, MONDO:0100216.

Submission:

Labcorp Genetics (formerly Invitae), Labcorp
Classification: Uncertain significance for DICER1-related tumor predisposition. Last evaluated: 2022-12-18. Review status: criteria provided, single submitter. Criteria: Invitae Variant Classification Sherloc (09022015). Collection method: clinical testing. Allele origin: germline.
Comment: In summary, the available evidence is currently insufficient to determine the role of this variant in disease. Therefore, it has been classified as a Variant of Uncertain Significance. Advanced modeling of protein sequence and biophysical properties (such as structural, functional, and spatial information, amino acid conservation, physicochemical variation, residue mobility, and thermodynamic stability) performed at Invitae indicates that this missense variant is not expected to disrupt DICER1 protein function. This variant has not been reported in the literature in individuals affected with DICER1-related conditions. This variant is present in population databases (no rsID available, gnomAD no frequency). This sequence change replaces alanine, which is neutral and non-polar, with threonine, which is neutral and polar, at codon 472 of the DICER1 protein (p.Ala472Thr).

NM_177438.3(DICER1):c.1414G>A (p.Ala472Thr)

Gene: DICER1 (dicer 1, ribonuclease III; minus strand). Cytogenetic location: 14q32.13.
Variant type: single nucleotide variant.
Coding change: c.1414G>A on transcript NM_177438.3 (MANE Select); coding-DNA position 1414, G replaced by A.
Protein change: p.Ala472Thr; replaces alanine 472 with threonine.
Molecular consequence: missense variant. On other transcripts: 5 prime UTR variant (1), non-coding transcript variant (6).
Genome position (GRCh38, 1-based): chr14:95,117,717, C>T on the plus strand (G>A on the coding strand, the complement: DICER1 is on the minus strand). VCF-style: chr14-95117717-C-T. GRCh37 (hg19) VCF-style: chr14-95584054-C-T.
Other names: c.1414G>A, p.Ala472Thr (NM_001395679.1, NM_001395680.1, NM_001395681.1 and 13 more transcripts); c.1132G>A, p.Ala378Thr (NM_001395686.1); c.1009G>A, p.Ala337Thr (NM_001395687.1, NM_001395688.1, NM_001395689.1 and 3 more transcripts); c.847G>A, p.Ala283Thr (NM_001395691.1); c.-155G>A (NM_001395697.1); short protein forms A378T, A472T, A283T, A337T.
Identifiers: ClinVar variation 2812506 (VCV002812506.3), dbSNP rs1374595292, ClinGen allele CA390885625.
Genomic context (GRCh38, chr14:95,117,717, plus strand): 5'-TGTTGCGAGGCTGATTCTTCCCAATGCCATGTCCAGTTATGAAATTGCTACTGATATAAG[C>T]CAGCTCTGGATCTTGTTTGCCAGCTTCCTTTATCAATCTAAGAAAATTATACACATTTGG-3'
Protein context (NP_803187.1, residues 462-482): KEAGKQDPEL[Ala472Thr]YISSNFITGH